The following is an entry in ClinVar:

ClinVar aggregate classification (germline): Likely benign. Review status: criteria provided, multiple submitters, no conflicts (2 of 4 stars). 2 submissions from 2 submitters: Likely benign (2). Last evaluated 2025-09-20.

Conditions:
Tuberous sclerosis 2 (TSC2). Identifiers: Orphanet 805, MedGen C1860707, MONDO:0013199, OMIM 613254.

Allele frequency attached by ClinVar (database versions not stated): gnomAD exomes below 0.00001; ExAC 0.00001.
gnomAD v4.1: 1 of 1,611,826 alleles (0.000062%); highest among the groups gnomAD compares: South Asian, 0.0011%; no homozygotes.

Submissions (2):

Labcorp Genetics (formerly Invitae), Labcorp
Classification: Likely benign for Tuberous sclerosis 2. Last evaluated: 2025-09-20. Review status: criteria provided, single submitter. Criteria: Invitae Variant Classification Sherloc (09022015). Collection method: clinical testing. Allele origin: germline.

Myriad Genetics, Inc.
Classification: Likely benign for Tuberous sclerosis 2. Last evaluated: 2025-05-20. Review status: criteria provided, single submitter. Criteria: Myriad Autosomal Dominant, Autosomal Recessive and X-Linked Classification Criteria (2023). Collection method: clinical testing. Allele origin: unknown.
Comment: This variant is considered likely benign. This variant is intronic and is not expected to impact mRNA splicing.

NM_000548.5(TSC2):c.2546-16C>T

Gene: TSC2 (TSC complex subunit 2; plus strand). Cytogenetic location: 16p13.3.
Variant type: single nucleotide variant.
Coding change: c.2546-16C>T on transcript NM_000548.5 (MANE Select); 16 bases into the intron before coding-DNA position 2546, C replaced by T.
Molecular consequence: intron variant.
Genome position (GRCh38, 1-based): chr16:2,075,783, C>T. VCF-style: chr16-2075783-C-T. GRCh37 (hg19) VCF-style: chr16-2125784-C-T.
Other names: c.2546-16C>T (NM_001114382.3, NM_021055.3, NM_001370405.1 and 3 more transcripts); c.2435-16C>T (NM_001318827.2); c.1946-16C>T (NM_001318831.2); c.2399-16C>T (NM_001318829.2); c.2579-16C>T (NM_001318832.2).
Identifiers: ClinVar variation 2157967 (VCV002157967.5), dbSNP rs773863945, ClinGen allele CA039716.